The following is an entry in ClinVar:

ClinVar aggregate classification (germline): Uncertain significance (1 of 4 stars; one submission).

Submission:

GeneDx
Classification: Uncertain significance. Last evaluated: 2025-09-04. Review status: criteria provided, single submitter. Criteria: GeneDx Variant Classification Process June 2021. Collection method: clinical testing. Allele origin: germline. Affected: yes.
Comment: Not observed at significant frequency in large population cohorts (gnomAD); In silico analysis supports that this missense variant has a deleterious effect on protein structure/function; Has not been previously published as pathogenic or benign to our knowledge; This variant is associated with the following publications: (PMID: 21529752)

NM_002474.3(MYH11):c.4955C>T (p.Ala1652Val)

Genes: MYH11 (myosin heavy chain 11; minus strand), NDE1 (nudE neurodevelopment protein 1; plus strand). Cytogenetic location: 16p13.11.
Variant type: single nucleotide variant.
Coding change: c.4955C>T on transcript NM_002474.3 (MANE Select); coding-DNA position 4955, C replaced by T.
Protein change: p.Ala1652Val; replaces alanine 1652 with valine.
Molecular consequence: missense variant. On other transcripts: intron variant (2).
Genome position (GRCh38, 1-based): chr16:15,719,712, G>A on the plus strand (C>T on the coding strand, the complement: MYH11 is on the minus strand). VCF-style: chr16-15719712-G-A. GRCh37 (hg19) VCF-style: chr16-15813569-G-A.
Other names: c.4976C>T, p.Ala1659Val (NM_001040113.2, NM_001040114.2); c.4955C>T, p.Ala1652Val (NM_022844.3); c.948-4479G>A (NM_001143979.2, NM_017668.3); short protein forms A1652V, A1659V.
Identifiers: ClinVar variation 4813265 (VCV004813265.1).
Genomic context (GRCh38, chr16:15,719,712, plus strand): 5'-AAGATCTCATCTCTGGAGGCACGGGCATCTTCCAGCTCTCTTTGAAAGTCCTTCATCTGA[G>A]CCTGCATGAGTCAACAGGGAGGACAAGCTCAGATGTCCTTACTCCCCCAAGTTCTGCTGC-3'
Protein context (NP_002465.1, residues 1642-1662): EAIKQLRKLQ[Ala1652Val]QMKDFQRELE